The following is an entry in ClinVar:

ClinVar aggregate classification (germline): Likely benign (1 of 4 stars; one submission).

Conditions:
Leigh syndrome (NULS). Also called: Leigh Disease; Subacute necrotizing encephalopathy; Necrotizing encephalopathy infantile subacute of Leigh; LEIGH SYNDROME, NUCLEAR; Leigh's syndrome; Leigh's necrotizing encephalopathy. Identifiers: Orphanet 506, MedGen C2931891, MONDO:0009723, OMIM 256000.

Allele frequency attached by ClinVar (database versions not stated): gnomAD exomes 0.00097; 1000 Genomes Project 0.01138; 1000 Genomes Project 30x 0.01187; gnomAD 0.01327 and 0.01433; TOPMed 0.01527.
gnomAD v4.1: 2,556 of 711,174 alleles (0.36%); highest among the groups gnomAD compares: African/African-American, 4.6%; 63 homozygotes.

Submission:

Illumina Laboratory Services, Illumina
Classification: Likely benign for Leigh syndrome. Last evaluated: 2018-01-13. Review status: criteria provided, single submitter. Criteria: ICSL Variant Classification Criteria 13 December 2019. Collection method: clinical testing. Allele origin: germline.
Comment: This variant was observed in the ICSL laboratory as part of a predisposition screen in an ostensibly healthy population. It had not been previously curated by ICSL or reported in the Human Gene Mutation Database (HGMD: prior to June 1st, 2018), and was therefore a candidate for classification through an automated scoring system. Utilizing variant allele frequency, disease prevalence and penetrance estimates, and inheritance mode, an automated score was calculated to assess if this variant is too frequent to cause the disease. Based on the score and internal cut-off values, a variant classified as likely benign is not then subjected to further curation. The score for this variant resulted in a classification of likely benign for this disease.

NM_078470.6(COX15):c.*1876A>G

Gene: COX15 (cytochrome c oxidase assembly factor COX15; minus strand). Cytogenetic location: 10q24.2.
Variant type: single nucleotide variant.
Coding change: c.*1876A>G on transcript NM_078470.6 (MANE Select); 1876 bases downstream of the stop codon, A replaced by G.
Molecular consequence: 3 prime UTR variant. On other transcripts: non-coding transcript variant (1), intron variant (1).
Genome position (GRCh38, 1-based): chr10:99,712,711, T>C on the plus strand (A>G on the coding strand, the complement: COX15 is on the minus strand). VCF-style: chr10-99712711-T-C. GRCh37 (hg19) VCF-style: chr10-101472468-T-C.
Other names: c.*2057A>G (NM_001320975.2); c.*1876A>G (NM_001320976.2, NM_001372025.1, NM_001372026.1); c.*1095A>G (NM_001372024.1); c.*1980A>G (NM_001372027.1); c.*1303A>G (NM_001372028.1); c.*703A>G (NM_004376.7); c.1101+3637A>G (NM_001320974.2).
Identifiers: ClinVar variation 877675 (VCV000877675.4), dbSNP rs115287270, ClinGen allele CA212821628.
Genomic context (GRCh38, chr10:99,712,711, plus strand): 5'-CAGAAGATCTAACAACCCTGGACCTGTAGAGTGGCAGCAACAGACCAGAACTCAGCAGTA[T>C]AGTCCGAGCTGGGGCACCTGCTCGCCAGTGTTACTGTCTCCATCAGCCTGACCCCAGTGA-3'